The following is an entry in ClinVar:

NM_002016.2(FLG):c.539C>A (p.Ser180Ter)

Genes: CCDST (cervical cancer associated DHX9 suppressive transcript; plus strand), FLG (filaggrin; minus strand). Cytogenetic location: 1q21.3.
Variant type: single nucleotide variant.
Coding change: c.539C>A on transcript NM_002016.2 (MANE Select); coding-DNA position 539, C replaced by A.
Protein change: p.Ser180Ter; replaces serine 180 with a stop codon.
Molecular consequence: nonsense.
Genome position (GRCh38, 1-based): chr1:152,314,347, G>T on the plus strand (C>A on the coding strand, the complement: FLG is on the minus strand). VCF-style: chr1-152314347-G-T. GRCh37 (hg19) VCF-style: chr1-152286823-G-T.
Other names: short protein forms S180*.
Identifiers: ClinVar variation 5019651 (VCV005019651.2).
Genomic context (GRCh38, chr1:152,314,347, plus strand): 5'-AGCCTCTTCCTATTGTCTCCTAATCTAGTATTTTCAGTCTTGTTTTTCTCTTTTTTACTT[G>T]AGTTATGATGGTTTTTTCCATATTCTTCTTCTCTATGAGTAGGTGAATATCCTTTTCTTT-3'

ClinVar aggregate classification (germline): Uncertain significance (1 of 4 stars; one submission).

Conditions:
Dermatitis, atopic, 2. Identifiers: MedGen C1853965, MONDO:0011596, OMIM 605803.
Ichthyosis vulgaris. Also called: ICHTHYOSIS SIMPLEX; Dominant ichthyosis vulgaris. Identifiers: MedGen C0079584, MONDO:0024304, OMIM 146700.

Submission:

Juno Genomics, Hangzhou Juno Genomics, Inc
Classification: Uncertain significance for Dermatitis, atopic, 2; Ichthyosis vulgaris. Review status: criteria provided, single submitter. Criteria: ACMG Guidelines, 2015. Collection method: clinical testing. Allele origin: germline.
Comment: Absent from controls (or at extremely low frequency if recessive) in Genome Aggregation Database.;Null variant in a gene where loss of function (LOF) is a known mechanism of disease.